The following is an entry in ClinVar:

ClinVar aggregate classification (germline): Uncertain significance (1 of 4 stars; one submission).

Conditions:
Autoimmune lymphoproliferative syndrome type 2A (ALPS2A). Also called: CASP10-Related Autoimmune Lymphoproliferative Syndrome; AUTOIMMUNE LYMPHOPROLIFERATIVE SYNDROME, TYPE IIA; Autoimmune lymphoproliferative syndrome type 2. Identifiers: Orphanet 3261, MedGen C1858968, MONDO:0011383, OMIM 603909.

Submission:

Labcorp Genetics (formerly Invitae), Labcorp
Classification: Uncertain significance for Autoimmune lymphoproliferative syndrome type 2A. Last evaluated: 2025-05-13. Review status: criteria provided, single submitter. Criteria: Invitae Variant Classification Sherloc (09022015). Collection method: clinical testing. Allele origin: germline.
Comment: This sequence change replaces leucine, which is neutral and non-polar, with valine, which is neutral and non-polar, at codon 520 of the CASP10 protein (p.Leu520Val). This variant is not present in population databases (gnomAD no frequency). This variant has not been reported in the literature in individuals affected with CASP10-related conditions. An algorithm developed to predict the effect of missense changes on protein structure and function (PolyPhen-2) suggests that this variant is likely to be disruptive. In summary, the available evidence is currently insufficient to determine the role of this variant in disease. Therefore, it has been classified as a Variant of Uncertain Significance.

NM_032977.4(CASP10):c.1558C>G (p.Leu520Val)

Gene: CASP10 (caspase 10; plus strand). Cytogenetic location: 2q33.1.
Variant type: single nucleotide variant.
Coding change: c.1558C>G on transcript NM_032977.4 (MANE Select); coding-DNA position 1558, C replaced by G.
Protein change: p.Leu520Val; replaces leucine 520 with valine.
Molecular consequence: missense variant. On other transcripts: 3 prime UTR variant (1), intron variant (2).
Genome position (GRCh38, 1-based): chr2:201,217,730, C>G. VCF-style: chr2-201217730-C-G. GRCh37 (hg19) VCF-style: chr2-202082453-C-G.
Other names: c.1357C>G, p.Leu453Val (NM_001206524.2); c.1429C>G, p.Leu477Val (NM_001230.5); c.*644C>G (NM_032976.4); c.1415+8168C>G (NM_032974.5); c.1286+8168C>G (NM_001206542.2); short protein forms L453V, L477V, L520V.
Identifiers: ClinVar variation 4792677 (VCV004792677.1).